The following is an entry in ClinVar:

ClinVar aggregate classification (germline): Likely benign. Review status: criteria provided, multiple submitters, no conflicts (2 of 4 stars). 4 submissions from 4 submitters: Likely benign (3). 1 of the submissions does not count toward it. Last evaluated 2024-09-03.

Conditions:
GATA4-related disorder. Also called: GATA4-related condition. Identifiers: MedGen CN860321.

Allele frequency attached by ClinVar (database versions not stated): 1000 Genomes Project 0.00100; 1000 Genomes Project 30x 0.00125; ESP Exome Variant Server 0.00146; gnomAD 0.00159.
gnomAD v4.1: 441 of 1,614,068 alleles (0.027%); highest among the groups gnomAD compares: African/African-American, 0.53%; 3 homozygotes.

Submissions (4):

GeneDx
Classification: Likely benign. Last evaluated: 2024-09-03. Review status: criteria provided, single submitter. Criteria: GeneDx Variant Classification Process June 2021. Collection method: clinical testing. Allele origin: germline. Affected: yes.
Comment: See Variant Classification Assertion Criteria.

Blueprint Genetics
Classification: Likely benign. Last evaluated: 2024-08-28. Review status: criteria provided, single submitter. Criteria: ACMG Guidelines, 2015. Collection method: clinical testing. Allele origin: germline.

Breakthrough Genomics
Classification: Likely benign. Review status: criteria provided, single submitter. Criteria: ACMG Guidelines, 2015. Collection method: not provided. Allele origin: germline. Inheritance: Autosomal dominant inheritance. Affected: yes.

PreventionGenetics, part of Exact Sciences
Classification: Likely benign for GATA4-related condition. Last evaluated: 2019-03-25. Review status: no assertion criteria provided. Collection method: clinical testing. Allele origin: germline. Not counted in ClinVar's aggregate classification.
Comment: This variant is classified as likely benign based on ACMG/AMP sequence variant interpretation guidelines (Richards et al. 2015 PMID: 25741868, with internal and published modifications).

NM_001308093.3(GATA4):c.*9C>T

Gene: GATA4 (GATA binding protein 4). Cytogenetic location: 8p23.1.
Variant type: single nucleotide variant.
Coding change: c.*9C>T on transcript NM_001308093.3 (MANE Select); 9 bases downstream of the stop codon, C replaced by T.
Molecular consequence: 3 prime UTR variant.
Genome position (GRCh38, 1-based): chr8:11,758,484, C>T. VCF-style: chr8-11758484-C-T. GRCh37 (hg19) VCF-style: chr8-11615993-C-T.
Other names: c.*9C>T (NM_002052.4, NM_001308094.2, NM_001374273.1 and 2 more transcripts).
Identifiers: ClinVar variation 1218414 (VCV001218414.11), dbSNP rs185843389, ClinGen allele CA4630920.
Genomic context (GRCh38, chr8:11,758,484, plus strand): 5'-TTGGAACAGCCTGGTCTTGGCCGACAGTCACGGGGACATAATCACTGCGTAATCTTCCCT[C>T]TTCCCTCCTCAAATTCCTGCACGGACCTGGGACTTGGAGGATAGCAAAGAAGGAGGCCCT-3'